The following is an entry in ClinVar:

NM_000548.5(TSC2):c.*4C>T

Gene: TSC2 (TSC complex subunit 2; plus strand). Cytogenetic location: 16p13.3.
Variant type: single nucleotide variant.
Coding change: c.*4C>T on transcript NM_000548.5 (MANE Select); 4 bases downstream of the stop codon, C replaced by T.
Molecular consequence: 3 prime UTR variant.
Genome position (GRCh38, 1-based): chr16:2,088,614, C>T. VCF-style: chr16-2088614-C-T. GRCh37 (hg19) VCF-style: chr16-2138615-C-T.
Other names: c.*4C>T (NM_001077183.3, NM_001114382.3, NM_001318827.2 and 7 more transcripts).
Identifiers: ClinVar variation 486611 (VCV000486611.24), dbSNP rs368282661, ClinGen allele CA053458.

ClinVar aggregate classification (germline): Conflicting classifications of pathogenicity. Review status: criteria provided, conflicting classifications (1 of 4 stars). 11 submissions from 11 submitters: Uncertain significance (4); Benign (1); Likely benign (5). 1 of the submissions does not count toward it. Last evaluated 2026-07-01.

Conditions:
TSC2-related disorder. Also called: TSC2-Related Disorders; TSC2-related condition.
Hereditary cancer-predisposing syndrome. Also called: Hereditary neoplastic syndrome; Tumor predisposition; Neoplastic Syndromes, Hereditary; Hereditary Cancer Syndrome. Identifiers: Orphanet 140162, MedGen C0027672, MeSH D009386, MONDO:0015356.
Tuberous sclerosis syndrome (TSC). Also called: Tuberous Sclerosis Complex; Tuberous sclerosis. Identifiers: Orphanet 805, MedGen C0041341, MONDO:0001734.
Tuberous sclerosis 2 (TSC2). Identifiers: Orphanet 805, MedGen C1860707, MONDO:0013199, OMIM 613254.

Allele frequency attached by ClinVar (database versions not stated): gnomAD 0.00001; TOPMed 0.00003; ExAC 0.00004; ESP Exome Variant Server 0.00008.
gnomAD v4.1: 56 of 1,600,208 alleles (0.0035%); highest among the groups gnomAD compares: Admixed American, 0.01%; no homozygotes.

Submissions (11):

CeGaT Center for Human Genetics Tuebingen
Classification: Likely benign. Last evaluated: 2026-07-01. Review status: criteria provided, single submitter. Criteria: CeGaT Center For Human Genetics Tuebingen Variant Classification Criteria Version 2. Collection method: clinical testing. Allele origin: germline. Affected: yes. Observed: 1 variant allele.
Comment: TSC2: BS1

Quest Diagnostics Nichols Institute San Juan Capistrano
Classification: Uncertain significance. Last evaluated: 2025-10-30. Review status: criteria provided, single submitter. Criteria: Quest Diagnostics criteria. Collection method: clinical testing. Allele origin: unknown.

Myriad Genetics, Inc.
Classification: Benign for Tuberous sclerosis 2. Last evaluated: 2025-06-09. Review status: criteria provided, single submitter. Criteria: Myriad Autosomal Dominant, Autosomal Recessive and X-Linked Classification Criteria (2023). Collection method: clinical testing. Allele origin: unknown.
Comment: This variant is considered benign. This variant occurs in the non-coding 3' untranslated region of the gene, and is not expected to impact protein function.

Color Diagnostics, LLC DBA Color Health
Classification: Likely benign for Tuberous sclerosis syndrome. Last evaluated: 2022-11-08. Review status: criteria provided, single submitter. Criteria: ACMG Guidelines, 2015. Collection method: clinical testing. Allele origin: germline.

Genome-Nilou Lab
Classification: Likely benign for Tuberous sclerosis 2. Last evaluated: 2021-11-07. Review status: criteria provided, single submitter. Criteria: ACMG Guidelines, 2015. Collection method: clinical testing. Allele origin: germline. Affected: no.

Women's Health and Genetics/Laboratory Corporation of America, LabCorp
Classification: Uncertain significance. Last evaluated: 2021-10-02. Review status: criteria provided, single submitter. Criteria: LabCorp Variant Classification Summary - May 2015. Collection method: clinical testing. Allele origin: germline.

Department of Pathology and Laboratory Medicine, Sinai Health System
Classification: Uncertain significance for tuberous sclerosis. Last evaluated: 2021-08-17. Review status: criteria provided, single submitter. Criteria: ACMG Guidelines, 2015. Collection method: clinical testing. Allele origin: germline. Affected: no.

GeneDx
Classification: Likely benign. Last evaluated: 2020-02-08. Review status: criteria provided, single submitter. Criteria: GeneDx Variant Classification Process June 2021. Collection method: clinical testing. Allele origin: germline. Affected: yes.

Illumina Laboratory Services, Illumina
Classification: Likely benign for Tuberous sclerosis syndrome. Last evaluated: 2018-01-13. Review status: criteria provided, single submitter. Criteria: ICSL Variant Classification Criteria 13 December 2019. Collection method: clinical testing. Allele origin: germline.
Comment: This variant was observed in the ICSL laboratory as part of a predisposition screen in an ostensibly healthy population. It had not been previously curated by ICSL or reported in the Human Gene Mutation Database (HGMD: prior to June 1st, 2018), and was therefore a candidate for classification through an automated scoring system. Utilizing variant allele frequency, disease prevalence and penetrance estimates, and inheritance mode, an automated score was calculated to assess if this variant is too frequent to cause the disease. Based on the score and internal cut-off values, a variant classified as likely benign is not then subjected to further curation. The score for this variant resulted in a classification of likely benign for this disease.

Ambry Genetics
Classification: Uncertain significance for Hereditary cancer-predisposing syndrome. Last evaluated: 2016-06-06. Review status: criteria provided, single submitter. Criteria: Ambry Variant Classification Scheme 2023. Collection method: clinical testing. Allele origin: germline.
Comment: The c.*4C>T variant is located in the 3' untranslated region (3&rsquo; UTR) of the TSC2 gene. This variant results from a C to T substitution 4 nucleotides after the last translated codon. This nucleotide position is poorly conserved in available vertebrate species. Since supporting evidence is limited at this time, the clinical significance of this alteration remains unclear.

PreventionGenetics, part of Exact Sciences
Classification: Likely benign for TSC2-related condition. Last evaluated: 2019-02-27. Review status: no assertion criteria provided. Collection method: clinical testing. Allele origin: germline. Not counted in ClinVar's aggregate classification.
Comment: This variant is classified as likely benign based on ACMG/AMP sequence variant interpretation guidelines (Richards et al. 2015 PMID: 25741868, with internal and published modifications).